The following is an entry in ClinVar:

NM_001330691.3(CEP78):c.84G>C (p.Ser28=)

Gene: CEP78 (centrosomal protein 78; plus strand). Cytogenetic location: 9q21.2.
Variant type: single nucleotide variant.
Coding change: c.84G>C on transcript NM_001330691.3 (MANE Select); coding-DNA position 84, G replaced by C.
Protein change: p.Ser28=; no amino-acid change (serine 28 retained).
Molecular consequence: synonymous variant.
Genome position (GRCh38, 1-based): chr9:78,236,434, G>C. VCF-style: chr9-78236434-G-C. GRCh37 (hg19) VCF-style: chr9-80851350-G-C.
Other names: p.Ser28=; c.84G>C, p.Ser28= (NM_001098802.3, NM_001330693.3, NM_001330694.2 and 4 more transcripts).
Identifiers: ClinVar variation 517538 (VCV000517538.18), dbSNP rs10867166, ClinGen allele CA5094802.

ClinVar aggregate classification (germline): Benign. Review status: criteria provided, multiple submitters, no conflicts (2 of 4 stars). 6 submissions from 6 submitters: Benign (6). Last evaluated 2026-02-04.

Allele frequency attached by ClinVar (database versions not stated): 1000 Genomes Project 0.28375; 1000 Genomes Project 30x 0.28638; ESP Exome Variant Server 0.30126; TOPMed 0.30769; gnomAD 0.31528 and 0.31790; gnomAD exomes 0.34998; ExAC 0.41916.
gnomAD v4.1: 585,706 of 1,599,716 alleles (37%); highest among the groups gnomAD compares: Middle Eastern, 40%; 109,686 homozygotes.

Submissions (6):

Labcorp Genetics (formerly Invitae), Labcorp
Classification: Benign. Last evaluated: 2026-02-04. Review status: criteria provided, single submitter. Criteria: Invitae Variant Classification Sherloc (09022015). Collection method: clinical testing. Allele origin: germline.

Blueprint Genetics
Classification: Benign. Last evaluated: 2024-11-27. Review status: criteria provided, single submitter. Criteria: ACMG Guidelines, 2015. Collection method: clinical testing. Allele origin: germline.

GeneDx
Classification: Benign. Last evaluated: 2021-05-04. Review status: criteria provided, single submitter. Criteria: GeneDx Variant Classification Process June 2021. Collection method: clinical testing. Allele origin: germline. Affected: yes.

Mayo Clinic Laboratories, Mayo Clinic
Classification: Benign. Last evaluated: 2019-06-21. Review status: criteria provided, single submitter. Criteria: ACMG Guidelines, 2015. Collection method: clinical testing. Allele origin: germline. Observed: 87 variant alleles.

Laboratory for Molecular Medicine, Mass General Brigham Personalized Medicine
Classification: Benign. Last evaluated: 2017-08-23. Review status: criteria provided, single submitter. Criteria: LMM Criteria. Collection method: clinical testing. Allele origin: germline. Observed: 171 variant alleles.
Comment: p.Ser28Ser in exon 1 of CEP78: This variant is not expected to have clinical sig nificance because it does not alter an amino acid residue, is not located within the splice consensus sequence, and has been identified in 45.32% (19356/42712) of European chromosomes by the Exome Aggregation Consortium (ExAC; dbSNP rs10867166).

Breakthrough Genomics
Classification: Benign. Review status: criteria provided, single submitter. Criteria: ACMG Guidelines, 2015. Collection method: not provided. Allele origin: germline. Inheritance: Autosomal recessive inheritance. Affected: yes.